The following is an entry in ClinVar:

ClinVar aggregate classification (germline): Conflicting classifications of pathogenicity. Review status: criteria provided, conflicting classifications (1 of 4 stars). 2 submissions from 2 submitters: Uncertain significance (1); Likely benign (1). Last evaluated 2025-07-07.

Conditions:
Inborn genetic diseases. Identifiers: MedGen C0950123, MeSH D030342.

Allele frequency attached by ClinVar (database versions not stated): gnomAD 0.00001; TOPMed 0.00001; ExAC 0.00002; gnomAD exomes 0.00002.
gnomAD v4.1: 27 of 1,601,624 alleles (0.0017%); highest among the groups gnomAD compares: East Asian, 0.0046%; no homozygotes.

Submissions (2):

Labcorp Genetics (formerly Invitae), Labcorp
Classification: Likely benign. Last evaluated: 2025-07-07. Review status: criteria provided, single submitter. Criteria: Invitae Variant Classification Sherloc (09022015). Collection method: clinical testing. Allele origin: germline.

Ambry Genetics
Classification: Uncertain significance for Inborn genetic diseases. Last evaluated: 2022-09-07. Review status: criteria provided, single submitter. Criteria: Ambry Variant Classification Scheme 2023. Collection method: clinical testing. Allele origin: germline.
Comment: The c.1597A>G (p.I533V) alteration is located in exon 16 (coding exon 15) of the STAG1 gene. This alteration results from a A to G substitution at nucleotide position 1597, causing the isoleucine (I) at amino acid position 533 to be replaced by a valine (V). Based on data from gnomAD, the G allele has an overall frequency of 0.001% (2/236970) total alleles studied. The highest observed frequency was 0.007% (1/15214) of African alleles. This amino acid position is highly conserved in available vertebrate species. This alteration is predicted to be tolerated by in silico analysis. Based on insufficient or conflicting evidence, the clinical significance of this alteration remains unclear.

NM_005862.3(STAG1):c.1597A>G (p.Ile533Val)

Gene: STAG1 (STAG1 cohesin complex component; minus strand). Cytogenetic location: 3q22.3.
Variant type: single nucleotide variant.
Coding change: c.1597A>G on transcript NM_005862.3 (MANE Select); coding-DNA position 1597, A replaced by G.
Protein change: p.Ile533Val; replaces isoleucine 533 with valine.
Molecular consequence: missense variant.
Genome position (GRCh38, 1-based): chr3:136,433,609, T>C on the plus strand (A>G on the coding strand, the complement: STAG1 is on the minus strand). VCF-style: chr3-136433609-T-C. GRCh37 (hg19) VCF-style: chr3-136152451-T-C.
Other names: short protein forms I533V.
Identifiers: ClinVar variation 2406431 (VCV002406431.3), dbSNP rs758293382, ClinGen allele CA2632847.